The following is an entry in ClinVar:

NM_001009944.3(PKD1):c.2158G>T (p.Asp720Tyr)

Gene: PKD1 (polycystin 1, transient receptor potential channel interacting; minus strand). Cytogenetic location: 16p13.3.
Variant type: single nucleotide variant.
Coding change: c.2158G>T on transcript NM_001009944.3 (MANE Select); coding-DNA position 2158, G replaced by T.
Protein change: p.Asp720Tyr; replaces aspartic acid 720 with tyrosine.
Molecular consequence: missense variant.
Genome position (GRCh38, 1-based): chr16:2,114,865, C>A on the plus strand (G>T on the coding strand, the complement: PKD1 is on the minus strand). VCF-style: chr16-2114865-C-A. GRCh37 (hg19) VCF-style: chr16-2164866-C-A.
Other names: c.2158G>T, p.Asp720Tyr (NM_000296.4); short protein forms D720Y.
Identifiers: ClinVar variation 3383469 (VCV003383469.1).
Genomic context (GRCh38, chr16:2,114,865, plus strand): 5'-CCCGGGGACCAGGGTGGCCGGGAGCCGGCGAGCAGTGCAGGAGGGCGCCAGGGCCAGCGT[C>A]GTGCTGCAAGCCAACGAGGTCACCAGGGAGCATGAGGACATCCTGGCCGTGGAGGGTGAC-3'
Protein context (NP_001009944.3, residues 710-730): LPGDLVGLQH[Asp720Tyr]AGPGALLHCS

ClinVar aggregate classification (germline): Uncertain significance (1 of 4 stars; one submission).

Submission:

GeneDx
Classification: Uncertain significance. Last evaluated: 2024-05-29. Review status: criteria provided, single submitter. Criteria: GeneDx Variant Classification Process June 2021. Collection method: clinical testing. Allele origin: germline. Affected: yes.
Comment: Not observed at significant frequency in large population cohorts (gnomAD); In silico analysis supports that this missense variant has a deleterious effect on protein structure/function; Has not been previously published as pathogenic or benign to our knowledge